The following is an entry in ClinVar:

ClinVar aggregate classification (germline): Benign/Likely benign. Review status: criteria provided, multiple submitters, no conflicts (2 of 4 stars). 4 submissions from 4 submitters: Benign (1); Likely benign (3). Last evaluated 2026-08-04.

Conditions:
Hereditary cancer-predisposing syndrome. Also called: Neoplastic Syndromes, Hereditary; Hereditary neoplastic syndrome; Hereditary Cancer Syndrome; Tumor predisposition. Identifiers: Orphanet 140162, MedGen C0027672, MeSH D009386, MONDO:0015356.
Familial adenomatous polyposis 1 (FAP1). Also called: POLYPOSIS, ADENOMATOUS INTESTINAL; FAMILIAL ADENOMATOUS POLYPOSIS 1, ATTENUATED. Identifiers: MedGen C2713442, MONDO:0021056, OMIM 175100. Disease mechanism: loss of function.

Allele frequency attached by ClinVar (database versions not stated): gnomAD exomes below 0.00001.
gnomAD v4.1: 1 of 1,614,102 alleles (0.000062%); highest among the groups gnomAD compares: South Asian, 0.0011%; no homozygotes.

Submissions (4):

Ambry Genetics
Classification: Likely benign for Hereditary cancer-predisposing syndrome. Last evaluated: 2026-08-04. Review status: criteria provided, single submitter. Criteria: Ambry Variant Classification Scheme 2023. Collection method: clinical testing. Allele origin: germline.

Myriad Genetics, Inc.
Classification: Benign for Familial adenomatous polyposis 1. Last evaluated: 2024-04-01. Review status: criteria provided, single submitter. Criteria: Myriad Autosomal Dominant, Autosomal Recessive and X-Linked Classification Criteria (2023). Collection method: clinical testing. Allele origin: unknown.
Comment: This variant is considered benign. This variant is a silent/synonymous amino acid change and it is not expected to impact splicing.

Sema4
Classification: Likely benign for Hereditary cancer-predisposing syndrome. Last evaluated: 2022-02-28. Review status: criteria provided, single submitter. Criteria: Sema4 Curation Guidelines. Collection method: curation. Allele origin: germline.

Color Diagnostics, LLC DBA Color Health
Classification: Likely benign for Hereditary cancer-predisposing syndrome. Last evaluated: 2017-11-08. Review status: criteria provided, single submitter. Criteria: ACMG Guidelines, 2015. Collection method: clinical testing. Allele origin: germline.

NM_000038.6(APC):c.5137T>C (p.Leu1713=)

Gene: APC (APC regulator of Wnt signaling pathway; plus strand). Cytogenetic location: 5q22.2.
Variant type: single nucleotide variant.
Coding change: c.5137T>C on transcript NM_000038.6 (MANE Select); coding-DNA position 5137, T replaced by C.
Protein change: p.Leu1713=; no amino-acid change (leucine 1713 retained).
Molecular consequence: synonymous variant.
Genome position (GRCh38, 1-based): chr5:112,840,731, T>C. VCF-style: chr5-112840731-T-C. GRCh37 (hg19) VCF-style: chr5-112176428-T-C.
Other names: c.5137T>C, p.Leu1713= (NM_001127510.3, NM_001354895.2); c.5083T>C, p.Leu1695= (NM_001127511.3); c.5191T>C, p.Leu1731= (NM_001354896.2); c.5167T>C, p.Leu1723= (NM_001354897.2); c.5062T>C, p.Leu1688= (NM_001354898.2); c.5053T>C, p.Leu1685= (NM_001354899.2); c.5014T>C, p.Leu1672= (NM_001354900.2); c.4960T>C, p.Leu1654= (NM_001354901.2); and 5 more.
Identifiers: ClinVar variation 490293 (VCV000490293.6), dbSNP rs1554086476, ClinGen allele CA446209604.